The following is an entry in ClinVar:

NM_000384.3(APOB):c.641G>A (p.Arg214His)

Gene: APOB (apolipoprotein B; minus strand). Cytogenetic location: 2p24.1.
Variant type: single nucleotide variant.
Coding change: c.641G>A on transcript NM_000384.3 (MANE Select); coding-DNA position 641, G replaced by A.
Protein change: p.Arg214His; replaces arginine 214 with histidine.
Molecular consequence: missense variant.
Genome position (GRCh38, 1-based): chr2:21,037,152, C>T on the plus strand (G>A on the coding strand, the complement: APOB is on the minus strand). VCF-style: chr2-21037152-C-T. GRCh37 (hg19) VCF-style: chr2-21260024-C-T.
Other names: short protein forms R214H.
Identifiers: ClinVar variation 412953 (VCV000412953.22), dbSNP rs146152405, ClinGen allele CA063182.
Genomic context (GRCh38, chr2:21,037,152, plus strand): 5'-GGACTTACCATGCCTTTGATGAGAGCAAGTGGGCTGATGCCTGTGCGGATGGGCTTGAAG[C>T]GATCACACTGCCCCAGGTCTCTTTCAGTGGATATTTCTGTTGCCACATTGCCCTTCCTCG-3'
Protein context (NP_000375.3, residues 204-224): STERDLGQCD[Arg214His]FKPIRTGISP

ClinVar aggregate classification (germline): Benign/Likely benign. Review status: criteria provided, multiple submitters, no conflicts (2 of 4 stars). 5 submissions from 5 submitters: Benign (1); Likely benign (4). Last evaluated 2026-02-02.

Conditions:
APOB-related disorder. Also called: APOB-related disorders; APOB-related condition.
Hypercholesterolemia, autosomal dominant, type B (FHCL2). Also called: APOLIPOPROTEIN B-100, FAMILIAL DEFECTIVE; APOLIPOPROTEIN B-100, FAMILIAL LIGAND-DEFECTIVE; APOB-Related Familial Hypercholesterolemia, Autosomal Dominant; HYPERCHOLESTEROLEMIA, FAMILIAL, DUE TO LIGAND-DEFECTIVE APOLIPOPROTEIN B; Familial Hypercholesterolemia Type B; Hyperlipoproteinemia Type IIb. Identifiers: MedGen C1704417, MONDO:0007751, OMIM 144010.
Familial hypobetalipoproteinemia 1. Also called: APOB-Related Familial Hypobetalipoproteinemia; Hypobetalipoproteinemia, normotriglyceridemic; Acanthocytosis with hypobetalipoproteinemia. Identifiers: MedGen C4551990, MONDO:0014252, OMIM 615558.
Cardiovascular phenotype. Identifiers: MedGen CN230736.

Allele frequency attached by ClinVar (database versions not stated): gnomAD exomes 0.00016; ExAC 0.00017; 1000 Genomes Project 30x 0.00031; 1000 Genomes Project 0.00040; TOPMed 0.00057; gnomAD 0.00064; ESP Exome Variant Server 0.00085.
gnomAD v4.1: 176 of 1,614,182 alleles (0.011%); highest among the groups gnomAD compares: African/African-American, 0.19%; no homozygotes.

Submissions (5):

PreventionGenetics, part of Exact Sciences
Classification: Likely benign for APOB-related condition. Last evaluated: 2026-02-02. Review status: criteria provided, single submitter. Criteria: ACMG Guidelines, 2015. Collection method: clinical testing. Allele origin: germline.
Comment: This variant is classified as likely benign based on ACMG/AMP sequence variant interpretation guidelines (Richards et al. 2015 PMID: 25741868, with internal and published modifications).

Labcorp Genetics (formerly Invitae), Labcorp
Classification: Likely benign for Familial hypobetalipoproteinemia 1; Hypercholesterolemia, autosomal dominant, type B. Last evaluated: 2026-01-23. Review status: criteria provided, single submitter. Criteria: Invitae Variant Classification Sherloc (09022015). Collection method: clinical testing. Allele origin: germline.

Quest Diagnostics Nichols Institute San Juan Capistrano
Classification: Likely benign. Last evaluated: 2023-07-26. Review status: criteria provided, single submitter. Criteria: Quest Diagnostics criteria. Collection method: clinical testing. Allele origin: unknown.

Ambry Genetics
Classification: Benign for Cardiovascular phenotype. Last evaluated: 2022-05-27. Review status: criteria provided, single submitter. Criteria: Ambry Variant Classification Scheme 2023. Collection method: clinical testing. Allele origin: germline.

GeneDx
Classification: Likely benign. Last evaluated: 2019-11-18. Review status: criteria provided, single submitter. Criteria: GeneDx Variant Classification Process June 2021. Collection method: clinical testing. Allele origin: germline. Affected: yes.
Comment: In silico analysis, which includes protein predictors and evolutionary conservation, supports that this variant does not alter protein structure/function